The following is an entry in ClinVar:

NM_007255.3(B4GALT7):c.889C>A (p.Arg297Ser)

Gene: B4GALT7 (beta-1,4-galactosyltransferase 7; plus strand). Cytogenetic location: 5q35.3.
Variant type: single nucleotide variant.
Coding change: c.889C>A on transcript NM_007255.3 (MANE Select); coding-DNA position 889, C replaced by A.
Protein change: p.Arg297Ser; replaces arginine 297 with serine.
Molecular consequence: missense variant.
Genome position (GRCh38, 1-based): chr5:177,609,600, C>A. VCF-style: chr5-177609600-C-A. GRCh37 (hg19) VCF-style: chr5-177036601-C-A.
Other names: short protein forms R297S.
Identifiers: ClinVar variation 4686162 (VCV004686162.1).

ClinVar aggregate classification (germline): Uncertain significance (1 of 4 stars; one submission).

Submission:

GeneDx
Classification: Uncertain significance. Last evaluated: 2025-07-14. Review status: criteria provided, single submitter. Criteria: GeneDx Variant Classification Process June 2021. Collection method: clinical testing. Allele origin: germline. Affected: yes.
Comment: Not observed at significant frequency in large population cohorts (gnomAD); In silico analysis suggests that this missense variant does not alter protein structure/function; Has not been previously published as pathogenic or benign to our knowledge